The following is an entry in ClinVar:

ClinVar aggregate classification (germline): Uncertain significance. Review status: criteria provided, multiple submitters, no conflicts (2 of 4 stars). 2 submissions from 2 submitters: Uncertain significance (2). Last evaluated 2025-05-04.

Conditions:
Inborn genetic diseases. Identifiers: MedGen C0950123, MeSH D030342.

Submissions (2):

Ambry Genetics
Classification: Uncertain significance for Inborn genetic diseases. Last evaluated: 2025-05-04. Review status: criteria provided, single submitter. Criteria: Ambry Variant Classification Scheme 2023. Collection method: clinical testing. Allele origin: germline.

GeneDx
Classification: Uncertain significance. Last evaluated: 2023-10-11. Review status: criteria provided, single submitter. Criteria: GeneDx Variant Classification Process June 2021. Collection method: clinical testing. Allele origin: germline. Affected: yes.
Comment: Not observed at significant frequency in large population cohorts (gnomAD); In silico analysis supports that this missense variant has a deleterious effect on protein structure/function; Has not been previously published as pathogenic or benign to our knowledge

NM_004380.3(CREBBP):c.6596A>C (p.Gln2199Pro)

Gene: CREBBP (CREB binding lysine acetyltransferase; minus strand). Cytogenetic location: 16p13.3.
Variant type: single nucleotide variant.
Coding change: c.6596A>C on transcript NM_004380.3 (MANE Select); coding-DNA position 6596, A replaced by C.
Protein change: p.Gln2199Pro; replaces glutamine 2199 with proline.
Molecular consequence: missense variant.
Genome position (GRCh38, 1-based): chr16:3,728,451, T>G on the plus strand (A>C on the coding strand, the complement: CREBBP is on the minus strand). VCF-style: chr16-3728451-T-G. GRCh37 (hg19) VCF-style: chr16-3778452-T-G.
Other names: c.6482A>C, p.Gln2161Pro (NM_001079846.1); short protein forms Q2161P, Q2199P.
Identifiers: ClinVar variation 3340888 (VCV003340888.2).